The following is an entry in ClinVar:

ClinVar aggregate classification (germline): Benign/Likely benign. Review status: criteria provided, multiple submitters, no conflicts (2 of 4 stars). 2 submissions from 2 submitters: Benign (1); Likely benign (1). Last evaluated 2024-03-19.

Allele frequency attached by ClinVar (database versions not stated): gnomAD 0.00066; 1000 Genomes Project 30x 0.00078; TOPMed 0.00082.
gnomAD v4.1: 101 of 152,162 alleles (0.066%); highest among the groups gnomAD compares: African/African-American, 0.23%; no homozygotes.

Submissions (2):

Blueprint Genetics
Classification: Likely benign. Last evaluated: 2024-03-19. Review status: criteria provided, single submitter. Criteria: ACMG Guidelines, 2015. Collection method: clinical testing. Allele origin: germline.

CeGaT Center for Human Genetics Tuebingen
Classification: Benign. Last evaluated: 2023-05-01. Review status: criteria provided, single submitter. Criteria: CeGaT Center For Human Genetics Tuebingen Variant Classification Criteria Version 2. Collection method: clinical testing. Allele origin: germline. Affected: yes. Observed: 1 variant allele.
Comment: PHACTR1: BS1, BS2

NM_030948.6(PHACTR1):c.251-39358C>A

Gene: PHACTR1 (phosphatase and actin regulator 1; plus strand). Cytogenetic location: 6p24.1.
Variant type: single nucleotide variant.
Coding change: c.251-39358C>A on transcript NM_030948.6 (MANE Select); 39358 bases into the intron before coding-DNA position 251, C replaced by A.
Molecular consequence: intron variant. On other transcripts: missense variant (1).
Genome position (GRCh38, 1-based): chr6:13,014,007, C>A. VCF-style: chr6-13014007-C-A. GRCh37 (hg19) VCF-style: chr6-13014239-C-A.
Other names: c.121C>A, p.Leu41Met (NM_001322314.4); c.251-39358C>A (NM_001242648.4, NM_001374581.2, NM_001322308.3 and 3 more transcripts); c.-26-39358C>A (NM_001322313.2, NM_001322312.3, NM_001322311.2 and 1 more transcripts); short protein forms L41M.
Identifiers: ClinVar variation 2571243 (VCV002571243.28), dbSNP rs994802085, ClinGen allele CA134878140.